The following is an entry in ClinVar:

NM_001271.4(CHD2):c.4081del (p.Ile1361fs)

Gene: CHD2 (chromodomain helicase DNA binding protein 2; plus strand). Cytogenetic location: 15q26.1.
Variant type: Deletion.
Coding change: c.4081del on transcript NM_001271.4 (MANE Select); coding-DNA position 4081, one base deleted (A; older notation c.4081delA).
Protein change: p.Ile1361fs; shifts the reading frame from isoleucine 1361.
Molecular consequence: frameshift variant.
Genome position (GRCh38, 1-based): chr15:93,000,584, A deleted; the last of 2 consecutive A bases (chr15:93,000,583-93,000,584); deleting either gives the same sequence. VCF-style (leftmost placement, unchanged base first): chr15-93000582-GA-G. GRCh37 (hg19) VCF-style: chr15-93543812-GA-G.
Other names: short protein forms I1361fs.
Identifiers: ClinVar variation 450794 (VCV000450794.1), dbSNP rs1555444862, ClinGen allele CA658658327.

ClinVar aggregate classification (germline): Likely pathogenic (1 of 4 stars; one submission).

Submission:

GeneDx
Classification: Likely pathogenic. Last evaluated: 2017-07-17. Review status: criteria provided, single submitter. Criteria: GeneDx Variant Classification (06012015). Collection method: clinical testing. Allele origin: germline. Affected: yes.
Comment: A variant that is likely pathogenic has been identified in the CHD2 gene. The c.4081delA variant has not been published as a pathogenic variant, nor has it been reported as a benign variant to our knowledge. The c.4081delA variant is not observed in large population cohorts (Lek et al., 2016; 1000 Genomes Consortium et al., 2015; Exome Variant Server). The c.4081delA variant causes a frameshift starting with codon Isoleucine 1361, changes this amino acid to a Leucine residue and creates a premature Stop codon at position 18 of the new reading frame, denoted p.Ile1361LeufsX18. This likely pathogenic variant is predicted to cause loss of normal protein function either through protein truncation or nonsense-mediated mRNA decay. Therefore, this variant is likely pathogenic; however, the possibility that it is benign cannot be excluded.